The following is an entry in ClinVar:

NM_032638.5(GATA2):c.458G>C (p.Gly153Ala)

Gene: GATA2 (GATA binding protein 2; minus strand). Cytogenetic location: 3q21.3.
Variant type: single nucleotide variant.
Coding change: c.458G>C on transcript NM_032638.5 (MANE Select); coding-DNA position 458, G replaced by C.
Protein change: p.Gly153Ala; replaces glycine 153 with alanine.
Molecular consequence: missense variant.
Genome position (GRCh38, 1-based): chr3:128,486,140, C>G on the plus strand (G>C on the coding strand, the complement: GATA2 is on the minus strand). VCF-style: chr3-128486140-C-G. GRCh37 (hg19) VCF-style: chr3-128204983-C-G.
Other names: c.458G>C, p.Gly153Ala (NM_001145661.2, NM_001145662.1); short protein forms G153A.
Identifiers: ClinVar variation 5022189 (VCV005022189.1).

ClinVar aggregate classification (germline): Uncertain significance (1 of 4 stars; one submission).

Conditions:
Inborn genetic diseases. Identifiers: MedGen C0950123, MeSH D030342.

Submission:

Ambry Genetics
Classification: Uncertain significance for Inborn genetic diseases. Last evaluated: 2026-07-06. Review status: criteria provided, single submitter. Criteria: Ambry Variant Classification Scheme 2023. Collection method: clinical testing. Allele origin: germline.
Comment: The p.G153A variant (also known as c.458G>C), located in coding exon 2 of the GATA2 gene, results from a G to C substitution at nucleotide position 458. The glycine at codon 153 is replaced by alanine, an amino acid with similar properties. This amino acid position is conserved. In addition, the in silico prediction for this alteration is inconclusive. Based on the available evidence, the clinical significance of this variant remains unclear.